The following is an entry in ClinVar:

ClinVar aggregate classification (germline): Pathogenic (1 of 4 stars; one submission).

Submission:

GeneDx
Classification: Pathogenic. Last evaluated: 2025-05-07. Review status: criteria provided, single submitter. Criteria: GeneDx Variant Classification Process June 2021. Collection method: clinical testing. Allele origin: germline. Affected: yes.
Comment: Canonical splice site variant predicted to result in an in-frame loss of the adjacent exon in a gene for which loss of function is a known mechanism of disease; Not observed at significant frequency in large population cohorts (gnomAD); Has not been previously published as pathogenic or benign to our knowledge

NM_001111125.3(IQSEC2):c.1401+1G>A

Gene: IQSEC2 (IQ motif and Sec7 domain ArfGEF 2; minus strand). Cytogenetic location: Xp11.22.
Variant type: single nucleotide variant.
Coding change: c.1401+1G>A on transcript NM_001111125.3 (MANE Select); the canonical splice donor site of the intron after coding-DNA position 1401, G replaced by A.
Molecular consequence: splice donor variant.
Genome position (GRCh38, 1-based): chrX:53,254,529, C>T on the plus strand (G>A on the coding strand, the complement: IQSEC2 is on the minus strand). VCF-style: chrX-53254529-C-T. GRCh37 (hg19) VCF-style: chrX-53283711-C-T.
Other names: c.690+1G>A (NM_001441094.1, NM_001441095.1); c.786+1G>A (NM_015075.2); c.1401+1G>A (NM_001441092.1, NM_001410736.1); c.903+1G>A (NM_001441093.1).
Identifiers: ClinVar variation 4527610 (VCV004527610.1).